The following is an entry in ClinVar:

NM_052874.5(STX1B):c.251C>T (p.Thr84Met)

Gene: STX1B (syntaxin 1B; minus strand). Cytogenetic location: 16p11.2.
Variant type: single nucleotide variant.
Coding change: c.251C>T on transcript NM_052874.5 (MANE Select); coding-DNA position 251, C replaced by T.
Protein change: p.Thr84Met; replaces threonine 84 with methionine.
Molecular consequence: missense variant.
Genome position (GRCh38, 1-based): chr16:31,000,957, G>A on the plus strand (C>T on the coding strand, the complement: STX1B is on the minus strand). VCF-style: chr16-31000957-G-A. GRCh37 (hg19) VCF-style: chr16-31012278-G-A.
Other names: short protein forms T84M.
Identifiers: ClinVar variation 952599 (VCV000952599.9), dbSNP rs778653532, ClinGen allele CA8018437.

ClinVar aggregate classification (germline): Uncertain significance (1 of 4 stars; one submission).

Conditions:
Generalized epilepsy with febrile seizures plus, type 9 (GEFSP9). Also called: GEFS+, TYPE 9. Identifiers: Orphanet 36387, MedGen C4015395, MONDO:0014517, OMIM 616172.

Allele frequency attached by ClinVar (database versions not stated): gnomAD 0.00001.

Submission:

Labcorp Genetics (formerly Invitae), Labcorp
Classification: Uncertain significance for Generalized epilepsy with febrile seizures plus, type 9. Last evaluated: 2025-05-07. Review status: criteria provided, single submitter. Criteria: Invitae Variant Classification Sherloc (09022015). Collection method: clinical testing. Allele origin: germline.
Comment: This sequence change replaces threonine, which is neutral and polar, with methionine, which is neutral and non-polar, at codon 84 of the STX1B protein (p.Thr84Met). This variant is present in population databases (rs778653532, gnomAD 0.002%). This variant has not been reported in the literature in individuals affected with STX1B-related conditions. ClinVar contains an entry for this variant (Variation ID: 952599). Invitae Evidence Modeling of protein sequence and biophysical properties (such as structural, functional, and spatial information, amino acid conservation, physicochemical variation, residue mobility, and thermodynamic stability) indicates that this missense variant is not expected to disrupt STX1B protein function with a negative predictive value of 80%. In summary, the available evidence is currently insufficient to determine the role of this variant in disease. Therefore, it has been classified as a Variant of Uncertain Significance.